The following is an entry in ClinVar:

NM_000441.2(SLC26A4):c.68C>A (p.Ser23Ter)

Genes: SLC26A4-AS1 (SLC26A4 antisense RNA 1; minus strand), SLC26A4 (solute carrier family 26 member 4; plus strand). Cytogenetic location: 7q22.3.
Variant type: single nucleotide variant.
Coding change: c.68C>A on transcript NM_000441.2 (MANE Select); coding-DNA position 68, C replaced by A.
Protein change: p.Ser23Ter; replaces serine 23 with a stop codon.
Molecular consequence: nonsense. On other transcripts: non-coding transcript variant (1).
Genome position (GRCh38, 1-based): chr7:107,661,709, C>A. VCF-style: chr7-107661709-C-A. GRCh37 (hg19) VCF-style: chr7-107302154-C-A.
Other names: short protein forms S23*.
Identifiers: ClinVar variation 43563 (VCV000043563.13), dbSNP rs397516430, ClinGen allele CA261435.

ClinVar aggregate classification (germline): Pathogenic. Review status: criteria provided, multiple submitters, no conflicts (2 of 4 stars). 5 submissions from 5 submitters: Pathogenic (4). 1 of the submissions does not count toward it. Last evaluated 2025-08-03.

Conditions:
Rare genetic deafness. Identifiers: Orphanet 96210, MedGen C5680250.
Pendred syndrome (PDS). Also called: Pendred's syndrome; DEAFNESS WITH GOITER; GOITER-DEAFNESS SYNDROME; HYPOTHYROIDISM, CONGENITAL, DUE TO DYSHORMONOGENESIS, 2B; Pendred Syndrome (PDS); THYROID DYSHORMONOGENESIS 2B. Identifiers: Orphanet 705, MedGen C0271829, MONDO:0010134, OMIM 274600.

Allele frequency attached by ClinVar (database versions not stated): TOPMed below 0.00001; gnomAD 0.00001.

Submissions (5):

Labcorp Genetics (formerly Invitae), Labcorp
Classification: Pathogenic. Last evaluated: 2025-08-03. Review status: criteria provided, single submitter. Criteria: Invitae Variant Classification Sherloc (09022015). Collection method: clinical testing. Allele origin: germline.
Comment: This sequence change creates a premature translational stop signal (p.Ser23*) in the SLC26A4 gene. It is expected to result in an absent or disrupted protein product. Loss-of-function variants in SLC26A4 are known to be pathogenic (PMID: 16283880, 25394566, 26252218, 26445815). This variant is not present in population databases (gnomAD no frequency). This premature translational stop signal has been observed in individual(s) with SLC26A4-related conditions (PMID: 15355436, 23185506). ClinVar contains an entry for this variant (Variation ID: 43563). For these reasons, this variant has been classified as Pathogenic.

Genome-Nilou Lab
Classification: Pathogenic for Pendred syndrome. Last evaluated: 2021-09-05. Review status: criteria provided, single submitter. Criteria: ACMG Guidelines, 2015. Collection method: clinical testing. Allele origin: germline. Affected: no.

Eurofins Ntd Llc (ga)
Classification: Pathogenic. Last evaluated: 2016-09-20. Review status: criteria provided, single submitter. Criteria: EGL Classification Definitions 2015. Collection method: clinical testing. Allele origin: germline. Observed: 1 variant allele, 1 heterozygote.

Laboratory for Molecular Medicine, Mass General Brigham Personalized Medicine
Classification: Pathogenic for Rare genetic deafness. Last evaluated: 2010-05-06. Review status: criteria provided, single submitter. Criteria: LMM Criteria. Collection method: clinical testing. Allele origin: germline. Observed: 1 variant allele.

Counsyl
Classification: Likely pathogenic for Pendred's syndrome. Last evaluated: 2015-02-11. Review status: no assertion criteria provided. Collection method: literature only. Allele origin: unknown. Inheritance: Autosomal recessive inheritance. Not counted in ClinVar's aggregate classification.

Literature cited by the submitters: PubMed 16283880 (cited by Labcorp Genetics (formerly Invitae), Labcorp); PubMed 25394566 (cited by Labcorp Genetics (formerly Invitae), Labcorp); PubMed 26252218 (cited by Labcorp Genetics (formerly Invitae), Labcorp); PubMed 26445815 (cited by Labcorp Genetics (formerly Invitae), Labcorp); PubMed 15355436 (cited by 3 submitters); PubMed 23185506 (cited by Labcorp Genetics (formerly Invitae), Labcorp).